The following is an entry in ClinVar:

ClinVar aggregate classification (germline): Pathogenic (1 of 4 stars; one submission).

Conditions:
Developmental and epileptic encephalopathy, 9 (DEE9). Also called: PCDH19-Related X-Linked Female-Limited Epilepsy with Mental Retardation; EPILEPSY, FEMALE-RESTRICTED, WITH MENTAL RETARDATION; Early infantile epileptic encephalopathy 9; JUBERG-HELLMAN SYNDROME. Identifiers: Orphanet 101039, Orphanet 2076, MedGen C1848137, MONDO:0010246, OMIM 300088. Disease mechanism: loss of function.

Submission:

Labcorp Genetics (formerly Invitae), Labcorp
Classification: Pathogenic for Developmental and epileptic encephalopathy, 9. Last evaluated: 2022-02-05. Review status: criteria provided, single submitter. Criteria: Invitae Variant Classification Sherloc (09022015). Collection method: clinical testing. Allele origin: germline.
Comment: For these reasons, this variant has been classified as Pathogenic. This variant has not been reported in the literature in individuals affected with PCDH19-related conditions. This variant is not present in population databases (gnomAD no frequency). This sequence change creates a premature translational stop signal (p.Val460Cysfs*2) in the PCDH19 gene. It is expected to result in an absent or disrupted protein product. Loss-of-function variants in PCDH19 are known to be pathogenic (PMID: 21053371).

Literature cited by the submitters: PubMed 21053371.

NM_001184880.2(PCDH19):c.1376_1377insATGTTGAG (p.Gln459_Val460insCysTer)

Gene: PCDH19 (protocadherin 19; minus strand). Cytogenetic location: Xq22.1.
Variant type: Insertion.
Coding change: c.1376_1377insATGTTGAG on transcript NM_001184880.2 (MANE Select); coding-DNA positions 1376 to 1377, ATGTTGAG inserted.
Protein change: p.Gln459_Val460insCysTer.
Molecular consequence: nonsense, inframe insertion.
Genome position: GRCh38 VCF-style: chrX-100407221-C-CCTCAACAT. GRCh37 (hg19) VCF-style: chrX-99662219-C-CCTCAACAT.
Other names: c.1376_1377insATGTTGAG, p.Gln459_Val460insCysTer (NM_001105243.2, NM_020766.3).
Identifiers: ClinVar variation 1453318 (VCV001453318.6), dbSNP rs2147538910, ClinGen allele CA2573159039.